The following is an entry in ClinVar:

NM_000135.4(FANCA):c.213A>C (p.Lys71Asn)

Gene: FANCA (FA complementation group A; minus strand). Cytogenetic location: 16q24.3.
Variant type: single nucleotide variant.
Coding change: c.213A>C on transcript NM_000135.4 (MANE Select); coding-DNA position 213, A replaced by C.
Protein change: p.Lys71Asn; replaces lysine 71 with asparagine.
Molecular consequence: missense variant.
Genome position (GRCh38, 1-based): chr16:89,814,590, T>G on the plus strand (A>C on the coding strand, the complement: FANCA is on the minus strand). VCF-style: chr16-89814590-T-G. GRCh37 (hg19) VCF-style: chr16-89880998-T-G.
Other names: c.213A>C, p.Lys71Asn (NM_001018112.3, NM_001286167.3, NM_001351830.2); short protein forms K71N.
Identifiers: ClinVar variation 2846120 (VCV002846120.4), dbSNP rs2041027459, ClinGen allele CA397482574.

ClinVar aggregate classification (germline): Uncertain significance. Review status: criteria provided, multiple submitters, no conflicts (2 of 4 stars). 2 submissions from 2 submitters: Uncertain significance (2). Last evaluated 2025-09-02.

Conditions:
Inborn genetic diseases. Identifiers: MedGen C0950123, MeSH D030342.
Fanconi anemia (FA). Also called: Fanconi's anemia. Identifiers: Orphanet 84, MedGen C0015625, MeSH D005199, MONDO:0019391.

gnomAD v4.1: 3 of 1,613,512 alleles (0.00019%); highest among the groups gnomAD compares: Non-Finnish European, 0.00025%; no homozygotes.

Submissions (2):

Ambry Genetics
Classification: Uncertain significance for Inborn genetic diseases. Last evaluated: 2025-09-02. Review status: criteria provided, single submitter. Criteria: Ambry Variant Classification Scheme 2023. Collection method: clinical testing. Allele origin: germline.
Comment: The p.K71N variant (also known as c.213A>C), located in coding exon 3 of the FANCA gene, results from an A to C substitution at nucleotide position 213. The lysine at codon 71 is replaced by asparagine, an amino acid with similar properties. This amino acid position is conserved. In addition, this alteration is predicted to be tolerated by in silico analysis. Based on the available evidence, the clinical significance of this variant remains unclear.

Labcorp Genetics (formerly Invitae), Labcorp
Classification: Uncertain significance for Fanconi anemia. Last evaluated: 2023-03-16. Review status: criteria provided, single submitter. Criteria: Invitae Variant Classification Sherloc (09022015). Collection method: clinical testing. Allele origin: germline.
Comment: This sequence change replaces lysine, which is basic and polar, with asparagine, which is neutral and polar, at codon 71 of the FANCA protein (p.Lys71Asn). This variant is not present in population databases (gnomAD no frequency). In summary, the available evidence is currently insufficient to determine the role of this variant in disease. Therefore, it has been classified as a Variant of Uncertain Significance. Advanced modeling of protein sequence and biophysical properties (such as structural, functional, and spatial information, amino acid conservation, physicochemical variation, residue mobility, and thermodynamic stability) performed at Invitae indicates that this missense variant is not expected to disrupt FANCA protein function. This variant has not been reported in the literature in individuals affected with FANCA-related conditions.